The following is an entry in ClinVar:

ClinVar aggregate classification (germline): Uncertain significance. Review status: criteria provided, multiple submitters, no conflicts (2 of 4 stars). 4 submissions from 4 submitters: Uncertain significance (4). Last evaluated 2026-03-20.

Conditions:
GLI2-related disorder. Also called: GLI2-related condition; GLI2-related disorders.
Postaxial polydactyly-anterior pituitary anomalies-facial dysmorphism syndrome. Also called: Culler-Jones syndrome. Identifiers: Orphanet 420584, MedGen C4014479, MONDO:0014369, OMIM 615849.

Allele frequency attached by ClinVar (database versions not stated): gnomAD exomes 0.00002 and 0.00004; TOPMed 0.00002; ExAC 0.00003; gnomAD 0.00003 and 0.00004.
gnomAD v4.1: 62 of 1,613,398 alleles (0.0038%); highest among the groups gnomAD compares: Admixed American, 0.0083%; no homozygotes.

Submissions (4):

PreventionGenetics, part of Exact Sciences
Classification: Uncertain significance for GLI2-related condition. Last evaluated: 2026-03-20. Review status: criteria provided, single submitter. Criteria: ACMG Guidelines, 2015. Collection method: clinical testing. Allele origin: germline.
Comment: The GLI2 c.2057C>T variant is predicted to result in the amino acid substitution p.Thr686Met. To our knowledge, this variant has not been reported in the literature. This variant is reported in 0.011% of alleles in individuals of Latino descent in gnomAD. At this time, the clinical significance of this variant is uncertain due to the absence of conclusive functional and genetic evidence.

Revvity Omics, Revvity
Classification: Uncertain significance. Last evaluated: 2021-07-26. Review status: criteria provided, single submitter. Criteria: ACMG Guidelines, 2015. Collection method: clinical testing. Allele origin: germline.

Baylor Genetics
Classification: Uncertain significance for Postaxial polydactyly-anterior pituitary anomalies-facial dysmorphism syndrome. Last evaluated: 2018-08-21. Review status: criteria provided, single submitter. Criteria: ACMG Guidelines, 2015. Collection method: clinical testing. Allele origin: paternal. Affected: yes.
Comment: This variant was determined to be of uncertain significance according to ACMG Guidelines, 2015 [PMID:25741868].

Eurofins Ntd Llc (ga)
Classification: Uncertain significance. Last evaluated: 2017-12-01. Review status: criteria provided, single submitter. Criteria: EGL Classification Definitions 2015. Collection method: clinical testing. Allele origin: germline. Observed: 2 variant alleles, 2 heterozygotes.

NM_001374353.1(GLI2):c.2006C>T (p.Thr669Met)

Gene: GLI2 (GLI family zinc finger 2; plus strand). Cytogenetic location: 2q14.2.
Variant type: single nucleotide variant.
Coding change: c.2006C>T on transcript NM_001374353.1 (MANE Select); coding-DNA position 2006, C replaced by T.
Protein change: p.Thr669Met; replaces threonine 669 with methionine.
Molecular consequence: missense variant.
Genome position (GRCh38, 1-based): chr2:120,986,378, C>T. VCF-style: chr2-120986378-C-T. GRCh37 (hg19) VCF-style: chr2-121743954-C-T.
Other names: c.2057C>T, p.Thr686Met (NM_001371271.1, NM_005270.5); c.1631C>T, p.Thr544Met (NM_001374354.1); short protein forms T686M, T544M, T669M.
Identifiers: ClinVar variation 595143 (VCV000595143.13), dbSNP rs758298657, ClinGen allele CA1852109.